The following is an entry in ClinVar:

ClinVar aggregate classification (germline): Uncertain significance (1 of 4 stars; one submission).

Conditions:
Cardiovascular phenotype. Identifiers: MedGen CN230736.

Allele frequency attached by ClinVar (database versions not stated): gnomAD exomes below 0.00001.
gnomAD v4.1: 1 of 1,613,728 alleles (0.000062%); highest among the groups gnomAD compares: South Asian, 0.0011%; no homozygotes.

Submission:

Ambry Genetics
Classification: Uncertain significance for Cardiovascular phenotype. Last evaluated: 2017-03-22. Review status: criteria provided, single submitter. Criteria: Ambry Variant Classification Scheme 2023. Collection method: clinical testing. Allele origin: germline.
Comment: The p.E139Q variant (also known as c.415G>C), located in coding exon 6 of the CACNA2D1 gene, results from a G to C substitution at nucleotide position 415. The glutamic acid at codon 139 is replaced by glutamine, an amino acid with highly similar properties. This amino acid position is well conserved in available vertebrate species. In addition, this alteration is predicted to be tolerated by in silico analysis. Since supporting evidence is limited at this time, the clinical significance of this alteration remains unclear.

NM_000722.4(CACNA2D1):c.415G>C (p.Glu139Gln)

Gene: CACNA2D1 (calcium voltage-gated channel auxiliary subunit alpha2delta 1; minus strand). Cytogenetic location: 7q21.11.
Variant type: single nucleotide variant.
Coding change: c.415G>C on transcript NM_000722.4 (MANE Select); coding-DNA position 415, G replaced by C.
Protein change: p.Glu139Gln; replaces glutamic acid 139 with glutamine.
Molecular consequence: missense variant.
Genome position (GRCh38, 1-based): chr7:82,117,155, C>G on the plus strand (G>C on the coding strand, the complement: CACNA2D1 is on the minus strand). VCF-style: chr7-82117155-C-G. GRCh37 (hg19) VCF-style: chr7-81746471-C-G.
Other names: c.415G>C (LRG_437t1); c.415G>C, p.Glu139Gln (NM_001302890.2, NM_001366867.1); short protein forms E139Q.
Identifiers: ClinVar variation 519423 (VCV000519423.5), dbSNP rs1554412653, ClinGen allele CA368017197.
Genomic context (GRCh38, chr7:82,117,155, plus strand): 5'-TTTGTCGTCCAAAATTAGCATCTTCAATGAAAACAGGTTTTATCCTCTGGCTGCCTGGCT[C>G]ACTGTCATTTTTCTCAGGCTATATAGAAAAAGAATAAACAGAATATTACAATTTTTGCTA-3'
Protein context (NP_000713.2, residues 129-149): DDLDPEKNDS[Glu139Gln]PGSQRIKPVF